The following is an entry in ClinVar:

NM_001372051.1(CASP8):c.782A>G (p.Asn261Ser)

Gene: CASP8 (caspase 8; plus strand). Cytogenetic location: 2q33.1.
Variant type: single nucleotide variant.
Coding change: c.782A>G on transcript NM_001372051.1 (MANE Select); coding-DNA position 782, A replaced by G.
Protein change: p.Asn261Ser; replaces asparagine 261 with serine.
Molecular consequence: missense variant. On other transcripts: 3 prime UTR variant (1), non-coding transcript variant (21), intron variant (4).
Genome position (GRCh38, 1-based): chr2:201,276,948, A>G. VCF-style: chr2-201276948-A-G. GRCh37 (hg19) VCF-style: chr2-202141671-A-G.
Other names: c.782A>G, p.Asn261Ser (NM_001400648.1, NM_001400651.1, NM_001400653.1 and 6 more transcripts); c.737A>G, p.Asn246Ser (NM_001400658.1, NM_001400659.1, NM_001400660.1 and 5 more transcripts); c.713A>G, p.Asn238Ser (NM_001400664.1); c.473A>G, p.Asn158Ser (NM_001400669.1); c.185A>G, p.Asn62Ser (NM_001400671.1, NM_001400672.1, NM_001400673.1 and 1 more transcripts); c.167A>G, p.Asn56Ser (NM_001400674.1, NM_001400680.1); c.140A>G, p.Asn47Ser (NM_001400675.1, NM_001400676.1, NM_001400677.1 and 2 more transcripts); c.*9A>G (NM_001400679.1); and 7 more; short protein forms N238S, N261S, N272S, N305S, N56S, N278S, N320S, N158S.
Identifiers: ClinVar variation 4705354 (VCV004705354.1).

ClinVar aggregate classification (germline): Uncertain significance (1 of 4 stars; one submission).

Conditions:
Autoimmune lymphoproliferative syndrome type 2B. Also called: AUTOIMMUNE LYMPHOPROLIFERATIVE SYNDROME, TYPE IIB. Identifiers: Orphanet 275517, MedGen C1846545, MONDO:0011804, OMIM 607271.

gnomAD v4.1: 2 of 1,613,704 alleles (0.00012%); highest among the groups gnomAD compares: Non-Finnish European, 0.00017%; no homozygotes.

Submission:

Labcorp Genetics (formerly Invitae), Labcorp
Classification: Uncertain significance for Autoimmune lymphoproliferative syndrome type 2B. Last evaluated: 2025-09-24. Review status: criteria provided, single submitter. Criteria: Invitae Variant Classification Sherloc (09022015). Collection method: clinical testing. Allele origin: germline.
Comment: This sequence change replaces asparagine, which is neutral and polar, with serine, which is neutral and polar, at codon 278 of the CASP8 protein (p.Asn278Ser). This variant is not present in population databases (gnomAD no frequency). This variant has not been reported in the literature in individuals affected with CASP8-related conditions. Invitae Evidence Modeling of protein sequence and biophysical properties (such as structural, functional, and spatial information, amino acid conservation, physicochemical variation, residue mobility, and thermodynamic stability) indicates that this missense variant is not expected to disrupt CASP8 protein function with a negative predictive value of 80%. In summary, the available evidence is currently insufficient to determine the role of this variant in disease. Therefore, it has been classified as a Variant of Uncertain Significance.